The following is an entry in ClinVar:

ClinVar aggregate classification (germline): Uncertain significance. Review status: criteria provided, multiple submitters, no conflicts (2 of 4 stars). 5 submissions from 5 submitters: Uncertain significance (4). 1 of the submissions does not count toward it. Last evaluated 2024-04-23.

Conditions:
Multiple acyl-CoA dehydrogenase deficiency (MADD). Also called: Glutaric acidemia type II; GA 2; ETHYLMALONIC-ADIPICACIDURIA; GA II; Glutaric aciduria, type 2; Glutaric Acidemia type 2. Identifiers: Orphanet 26791, MedGen C0268596, MONDO:0009282, OMIM 231680.

Allele frequency attached by ClinVar (database versions not stated): ExAC 0.00004; gnomAD 0.00004; gnomAD exomes 0.00004 and 0.00006; TOPMed 0.00006; ESP Exome Variant Server 0.00015.
gnomAD v4.1: 90 of 1,613,674 alleles (0.0056%); highest among the groups gnomAD compares: Non-Finnish European, 0.0073%; no homozygotes.

Submissions (5):

GeneDx
Classification: Uncertain significance. Last evaluated: 2024-04-23. Review status: criteria provided, single submitter. Criteria: GeneDx Variant Classification Process June 2021. Collection method: clinical testing. Allele origin: germline. Affected: yes.
Comment: Identified in an individual with a movement disorder who did not have a second variant identified in the EFTA gene (PMID: 37541188); Not observed at significant frequency in large population cohorts (gnomAD); In silico analysis supports that this missense variant has a deleterious effect on protein structure/function; This variant is associated with the following publications: (PMID: 37541188)

Mayo Clinic Laboratories, Mayo Clinic
Classification: Uncertain significance. Last evaluated: 2024-02-16. Review status: criteria provided, single submitter. Criteria: ACMG Guidelines, 2015. Collection method: clinical testing. Allele origin: germline. Observed: 1 variant allele.
Comment: PP3, PM2

Labcorp Genetics (formerly Invitae), Labcorp
Classification: Uncertain significance for Multiple acyl-CoA dehydrogenase deficiency. Last evaluated: 2022-08-03. Review status: criteria provided, single submitter. Criteria: Invitae Variant Classification Sherloc (09022015). Collection method: clinical testing. Allele origin: germline.
Comment: This sequence change replaces glycine, which is neutral and non-polar, with alanine, which is neutral and non-polar, at codon 57 of the ETFA protein (p.Gly57Ala). This variant is present in population databases (rs146299082, gnomAD 0.009%). This variant has not been reported in the literature in individuals affected with ETFA-related conditions. ClinVar contains an entry for this variant (Variation ID: 989861). Algorithms developed to predict the effect of missense changes on protein structure and function (SIFT, PolyPhen-2, Align-GVGD) all suggest that this variant is likely to be disruptive. In summary, the available evidence is currently insufficient to determine the role of this variant in disease. Therefore, it has been classified as a Variant of Uncertain Significance.

Fulgent Genetics
Classification: Uncertain significance for Multiple acyl-CoA dehydrogenase deficiency. Last evaluated: 2022-03-31. Review status: criteria provided, single submitter. Criteria: ACMG Guidelines, 2015. Collection method: clinical testing. Allele origin: unknown.

Natera, Inc.
Classification: Uncertain significance for Glutaric aciduria type 2. Last evaluated: 2020-04-19. Review status: no assertion criteria provided. Collection method: clinical testing. Allele origin: germline. Not counted in ClinVar's aggregate classification.

Literature cited by the submitters: PubMed 37541188 (cited by Mayo Clinic Laboratories, Mayo Clinic).

NM_000126.4(ETFA):c.170G>C (p.Gly57Ala)

Gene: ETFA (electron transfer flavoprotein subunit alpha; minus strand). Cytogenetic location: 15q24.2.
Variant type: single nucleotide variant.
Coding change: c.170G>C on transcript NM_000126.4 (MANE Select); coding-DNA position 170, G replaced by C.
Protein change: p.Gly57Ala; replaces glycine 57 with alanine.
Molecular consequence: missense variant. On other transcripts: intron variant (1).
Genome position (GRCh38, 1-based): chr15:76,295,607, C>G on the plus strand (G>C on the coding strand, the complement: ETFA is on the minus strand). VCF-style: chr15-76295607-C-G. GRCh37 (hg19) VCF-style: chr15-76587948-C-G.
Other names: p.Gly57Ala; c.40-2907G>C (NM_001127716.2); c.170G>C (NM_000126.3); short protein forms G57A.
Identifiers: ClinVar variation 989861 (VCV000989861.6), dbSNP rs146299082, ClinGen allele CA7673853.
Genomic context (GRCh38, chr15:76,295,607, plus strand): 5'-GATGGAGATAATATTTGCTATGGCTGACCTTAAAAATTTCTCACCTTGTCACATTTGGTT[C>G]CAGCTACTAAGCAGGACACTTCACCTCCAAGGCGTGTGGCTGCAGTAATGGTATTTAAAG-3'
Protein context (NP_000117.1, residues 47-67): LGGEVSCLVA[Gly57Ala]TKCDKVAQDL